The following is an entry in ClinVar:

NM_176824.3(BBS7):c.543G>A (p.Met181Ile)

Gene: BBS7 (Bardet-Biedl syndrome 7; minus strand). Cytogenetic location: 4q27.
Variant type: single nucleotide variant.
Coding change: c.543G>A on transcript NM_176824.3 (MANE Select); coding-DNA position 543, G replaced by A.
Protein change: p.Met181Ile; replaces methionine 181 with isoleucine.
Molecular consequence: missense variant.
Genome position (GRCh38, 1-based): chr4:121,855,547, C>T on the plus strand (G>A on the coding strand, the complement: BBS7 is on the minus strand). VCF-style: chr4-121855547-C-T. GRCh37 (hg19) VCF-style: chr4-122776702-C-T.
Other names: c.543G>A, p.Met181Ile (NM_018190.4); short protein forms M181I.
Identifiers: ClinVar variation 1976983 (VCV001976983.5), dbSNP rs1278566552, ClinGen allele CA358066808.
Genomic context (GRCh38, chr4:121,855,547, plus strand): 5'-ACCGCCATTTCCATTGTGTAGTGCTAAGACAGTAGGGGGTCCAGGAACTTCAACTGCATA[C>T]ATCACATCAGATCCCTGAAGGAGAAGTATTTAAAAACTGAAACAGAATACAAACTGAAAA-3'
Protein context (NP_789794.1, residues 171-191): VLRVLQGSDV[Met181Ile]YAVEVPGPPT

ClinVar aggregate classification (germline): Uncertain significance (1 of 4 stars; one submission).

Conditions:
Bardet-Biedl syndrome (BBS). Identifiers: Orphanet 110, MedGen C0752166, MONDO:0015229.

Allele frequency attached by ClinVar (database versions not stated): gnomAD 0.00001; TOPMed 0.00001.

Submission:

Labcorp Genetics (formerly Invitae), Labcorp
Classification: Uncertain significance for Bardet-Biedl syndrome. Last evaluated: 2022-05-05. Review status: criteria provided, single submitter. Criteria: Invitae Variant Classification Sherloc (09022015). Collection method: clinical testing. Allele origin: germline.
Comment: This variant is present in population databases (no rsID available, gnomAD 0.0009%). This sequence change replaces methionine, which is neutral and non-polar, with isoleucine, which is neutral and non-polar, at codon 181 of the BBS7 protein (p.Met181Ile). This variant has not been reported in the literature in individuals affected with BBS7-related conditions. In summary, the available evidence is currently insufficient to determine the role of this variant in disease. Therefore, it has been classified as a Variant of Uncertain Significance. Algorithms developed to predict the effect of missense changes on protein structure and function output the following: SIFT: "Tolerated"; PolyPhen-2: "Benign"; Align-GVGD: "Class C0". The isoleucine amino acid residue is found in multiple mammalian species, which suggests that this missense change does not adversely affect protein function.